The following is an entry in ClinVar:

ClinVar aggregate classification (germline): Uncertain significance. Review status: criteria provided, multiple submitters, no conflicts (2 of 4 stars). 4 submissions from 4 submitters: Uncertain significance (4). Last evaluated 2025-10-08.

Conditions:
Congenital myasthenic syndrome 4A. Also called: Myasthenic syndrome, congenital, 4a, slow-channel; CONGENITAL MYASTHENIC SYNDROME TYPE Ia1; MYASTHENIC SYNDROME, CONGENITAL, 4A, SLOW-CHANNEL, AUTOSOMAL RECESSIVE. Identifiers: Orphanet 590, MedGen C4225413, MONDO:0011600, OMIM 605809.
Congenital myasthenic syndrome 4C (CMS4C). Also called: Myasthenic syndrome, congenital, associated with acetylcholine receptor deficiency. Identifiers: Orphanet 590, MedGen C1837091, MONDO:0012157, OMIM 608931.
Congenital myasthenic syndrome 4B. Also called: Myasthenic syndrome, congenital, 4b, fast-channel. Identifiers: Orphanet 590, MedGen C4225369, MONDO:0014586, OMIM 616324.

Allele frequency attached by ClinVar (database versions not stated): TOPMed 0.00001.
gnomAD v4.1: 12 of 1,613,946 alleles (0.00074%); highest among the groups gnomAD compares: East Asian, 0.0022%; no homozygotes.

Submissions (4):

Labcorp Genetics (formerly Invitae), Labcorp
Classification: Uncertain significance for Congenital myasthenic syndrome 4A. Last evaluated: 2025-10-08. Review status: criteria provided, single submitter. Criteria: Invitae Variant Classification Sherloc (09022015). Collection method: clinical testing. Allele origin: germline.
Comment: This sequence change replaces valine, which is neutral and non-polar, with isoleucine, which is neutral and non-polar, at codon 147 of the CHRNE protein (p.Val147Ile). This variant is present in population databases (rs771950733, gnomAD 0.004%). This variant has not been reported in the literature in individuals affected with CHRNE-related conditions. ClinVar contains an entry for this variant (Variation ID: 931855). Invitae Evidence Modeling of protein sequence and biophysical properties (such as structural, functional, and spatial information, amino acid conservation, physicochemical variation, residue mobility, and thermodynamic stability) indicates that this missense variant is not expected to disrupt CHRNE protein function with a negative predictive value of 95%. In summary, the available evidence is currently insufficient to determine the role of this variant in disease. Therefore, it has been classified as a Variant of Uncertain Significance.

Blueprint Genetics
Classification: Uncertain significance. Last evaluated: 2024-10-08. Review status: criteria provided, single submitter. Criteria: ACMG Guidelines, 2015. Collection method: clinical testing. Allele origin: germline.

Fulgent Genetics
Classification: Uncertain significance for Congenital myasthenic syndrome 4A; Congenital myasthenic syndrome 4C; Congenital myasthenic syndrome 4B. Last evaluated: 2022-04-25. Review status: criteria provided, single submitter. Criteria: ACMG Guidelines, 2015. Collection method: clinical testing. Allele origin: unknown.

Centre for Mendelian Genomics, University Medical Centre Ljubljana
Classification: Uncertain significance for Congenital myasthenic syndrome 4B. Last evaluated: 2018-10-02. Review status: criteria provided, single submitter. Criteria: ACMG Guidelines, 2015. Collection method: clinical testing. Allele origin: unknown. Affected: yes.
Comment: This variant was classified as: Uncertain significance. The available evidence on this variant's pathogenicity is insufficient or conflicting. The following ACMG criteria were applied in classifying this variant: PM2. This variant was detected in homozygous state.

NM_000080.4(CHRNE):c.439G>A (p.Val147Ile)

Genes: C17orf107 (chromosome 17 open reading frame 107; plus strand), CHRNE (cholinergic receptor nicotinic epsilon subunit; minus strand). Cytogenetic location: 17p13.2.
Variant type: single nucleotide variant.
Coding change: c.439G>A on transcript NM_000080.4 (MANE Select); coding-DNA position 439, G replaced by A.
Protein change: p.Val147Ile; replaces valine 147 with isoleucine.
Molecular consequence: missense variant. On other transcripts: 3 prime UTR variant (1).
Genome position (GRCh38, 1-based): chr17:4,901,993, C>T on the plus strand (G>A on the coding strand, the complement: CHRNE is on the minus strand). VCF-style: chr17-4901993-C-T. GRCh37 (hg19) VCF-style: chr17-4805288-C-T.
Other names: c.*1460C>T (NM_001145536.2); short protein forms V147I.
Identifiers: ClinVar variation 931855 (VCV000931855.6), dbSNP rs771950733, ClinGen allele CA8314457.